The following is an entry in ClinVar:

ClinVar aggregate classification (germline): Uncertain significance (1 of 4 stars; one submission).

Conditions:
Menkes kinky-hair syndrome (MNK). Also called: Copper transport disease; Menkes Disease; Classic Menkes Disease. Identifiers: Orphanet 565, MedGen C0022716, MONDO:0010651, OMIM 309400.
X-linked distal spinal muscular atrophy type 3. Also called: ATP7A-Related Distal Motor Neuropathy; SPINAL MUSCULAR ATROPHY, DISTAL, X-LINKED RECESSIVE; NEURONOPATHY, DISTAL HEREDITARY MOTOR, X-LINKED; NEUROPATHY, DISTAL HEREDITARY MOTOR, X-LINKED. Identifiers: Orphanet 139557, MedGen C1845359, MONDO:0010338, OMIM 300489.
Cutis laxa, X-linked (OHS). Also called: EDS IX; Occipital horn syndrome. Identifiers: Orphanet 198, MedGen C0268353, MONDO:0010572, OMIM 304150.

Submission:

Labcorp Genetics (formerly Invitae), Labcorp
Classification: Uncertain significance for X-linked distal spinal muscular atrophy type 3; Cutis laxa, X-linked; Menkes kinky-hair syndrome. Last evaluated: 2024-09-09. Review status: criteria provided, single submitter. Criteria: Invitae Variant Classification Sherloc (09022015). Collection method: clinical testing. Allele origin: germline.
Comment: This sequence change replaces threonine, which is neutral and polar, with isoleucine, which is neutral and non-polar, at codon 278 of the ATP7A protein (p.Thr278Ile). This variant is not present in population databases (gnomAD no frequency). This variant has not been reported in the literature in individuals affected with ATP7A-related conditions. Invitae Evidence Modeling of protein sequence and biophysical properties (such as structural, functional, and spatial information, amino acid conservation, physicochemical variation, residue mobility, and thermodynamic stability) indicates that this missense variant is not expected to disrupt ATP7A protein function with a negative predictive value of 95%. In summary, the available evidence is currently insufficient to determine the role of this variant in disease. Therefore, it has been classified as a Variant of Uncertain Significance.

NM_000052.7(ATP7A):c.833C>T (p.Thr278Ile)

Gene: ATP7A (ATPase copper transporting alpha; plus strand). Cytogenetic location: Xq21.1.
Variant type: single nucleotide variant.
Coding change: c.833C>T on transcript NM_000052.7 (MANE Select); coding-DNA position 833, C replaced by T.
Protein change: p.Thr278Ile; replaces threonine 278 with isoleucine.
Molecular consequence: missense variant.
Genome position (GRCh38, 1-based): chrX:77,989,455, C>T. VCF-style: chrX-77989455-C-T. GRCh37 (hg19) VCF-style: chrX-77244951-C-T.
Other names: c.833C>T, p.Thr278Ile (NM_001282224.2); short protein forms T278I.
Identifiers: ClinVar variation 3753797 (VCV003753797.2).